The following is an entry in ClinVar:

NM_024422.6(DSC2):c.857G>T (p.Gly286Val)

Gene: DSC2 (desmocollin 2; minus strand). Cytogenetic location: 18q12.1.
Variant type: single nucleotide variant.
Coding change: c.857G>T on transcript NM_024422.6 (MANE Select); coding-DNA position 857, G replaced by T.
Protein change: p.Gly286Val; replaces glycine 286 with valine.
Molecular consequence: missense variant.
Genome position (GRCh38, 1-based): chr18:31,086,661, C>A on the plus strand (G>T on the coding strand, the complement: DSC2 is on the minus strand). VCF-style: chr18-31086661-C-A. GRCh37 (hg19) VCF-style: chr18-28666624-C-A.
Other names: p.G286V:GGG>GTG; c.857G>T, p.Gly286Val (NM_004949.5); short protein forms G286V.
Identifiers: ClinVar variation 191623 (VCV000191623.67), dbSNP rs199682735, ClinGen allele CA022951.
Genomic context (GRCh38, chr18:31,086,661, plus strand): 5'-GTGGTGATCACGCCTGTAGTTGGATGCATAGAAAATAGGGTGGGTGATGGTGGCACCTGC[C>A]CAATGATGGAGTACTTCAGGCGTGTGTGCATCGTGTCAGGCTCATCTTTGTCAGTAGCAC-3'
Protein context (NP_077740.1, residues 276-296): MHTRLKYSII[Gly286Val]QVPPSPTLFS

ClinVar aggregate classification (germline): Conflicting classifications of pathogenicity. Review status: criteria provided, conflicting classifications (1 of 4 stars). 10 submissions from 10 submitters: Uncertain significance (4); Benign (1); Likely benign (5). Last evaluated 2026-01-31.

Conditions:
Cardiovascular phenotype. Identifiers: MedGen CN230736.
Familial isolated arrhythmogenic right ventricular dysplasia. Identifiers: Orphanet 217656, MedGen C4274968, MONDO:0016342.
Cardiomyopathy (CMYO). Also called: Cardiomyopathies. Identifiers: Orphanet 167848, MedGen C0878544, MONDO:0004994, HP:0001638. Inheritance: Various modes of inheritance.
Arrhythmogenic right ventricular dysplasia 11. Also called: Arrhythmogenic right ventricular dysplasia 11 with mild palmoplantar keratoderma and woolly hair; Arrhythmogenic Right Ventricular Dysplasia/Cardiomyopathy11; ARRHYTHMOGENIC RIGHT VENTRICULAR DYSPLASIA, FAMILIAL, 11. Identifiers: MedGen C1864850, MONDO:0012506, OMIM 610476.

Allele frequency attached by ClinVar (database versions not stated): ExAC 0.00007; gnomAD exomes 0.00010; ESP Exome Variant Server 0.00015; 1000 Genomes Project 30x 0.00016; 1000 Genomes Project 0.00020; gnomAD 0.00024 and 0.00025; TOPMed 0.00036.
gnomAD v4.1: 139 of 1,614,082 alleles (0.0086%); highest among the groups gnomAD compares: Admixed American, 0.067%; 1 homozygote.

Submissions (10):

Labcorp Genetics (formerly Invitae), Labcorp
Classification: Likely benign for Arrhythmogenic right ventricular dysplasia 11. Last evaluated: 2026-01-31. Review status: criteria provided, single submitter. Criteria: Invitae Variant Classification Sherloc (09022015). Collection method: clinical testing. Allele origin: germline.

Color Diagnostics, LLC DBA Color Health
Classification: Likely benign for Cardiomyopathy. Last evaluated: 2024-12-10. Review status: criteria provided, single submitter. Criteria: ACMG Guidelines, 2015. Collection method: clinical testing. Allele origin: germline.

CeGaT Center for Human Genetics Tuebingen
Classification: Likely benign. Last evaluated: 2024-11-01. Review status: criteria provided, single submitter. Criteria: CeGaT Center For Human Genetics Tuebingen Variant Classification Criteria Version 2. Collection method: clinical testing. Allele origin: germline. Affected: yes. Observed: 3 variant alleles.
Comment: DSC2: BP4

All of Us Research Program, National Institutes of Health
Classification: Uncertain significance for Familial isolated arrhythmogenic right ventricular dysplasia. Last evaluated: 2024-09-23. Review status: criteria provided, single submitter. Criteria: ACMG Guidelines, 2015. Collection method: clinical testing. Allele origin: germline. Inheritance: Autosomal dominant inheritance. Observed: 43 variant alleles, 43 heterozygotes.
Comment: This missense variant replaces glycine with valine at codon 286 of the DSC2 protein. Computational prediction suggests that this variant may not impact protein structure and function (internally defined REVEL score threshold <= 0.5, PMID: 27666373). To our knowledge, functional studies have not been reported for this variant. This variant has been reported in an individual affected with arrhythmogenic right ventricular cardiomyopathy (PMID: 37418234), in two individuals affected with sudden cardiac death (PMID: 32917565, 36293497), and in an individual affected with hypertrophic cardiomyopathy (PMID: 25351510). This variant has been identified in 27/282756 chromosomes in the general population by the Genome Aggregation Database (gnomAD). The available evidence is insufficient to determine the role of this variant in disease conclusively. Therefore, this variant is classified as a Variant of Uncertain Significance.

This study involves interpretation of variants in research participants for the purpose of population health screening. Participant phenotype was not available at the time of variant classification. Additional details can be found in publication PMID: 35346344, PMCID: PMC8962531

Ambry Genetics
Classification: Benign for Cardiovascular phenotype. Last evaluated: 2023-03-13. Review status: criteria provided, single submitter. Criteria: Ambry Variant Classification Scheme 2023. Collection method: clinical testing. Allele origin: germline.

GeneDx
Classification: Likely benign. Last evaluated: 2021-04-27. Review status: criteria provided, single submitter. Criteria: GeneDx Variant Classification Process June 2021. Collection method: clinical testing. Allele origin: germline. Affected: yes.
Comment: This variant is associated with the following publications: (PMID: 23861362, 25351510, 23396983)

Women's Health and Genetics/Laboratory Corporation of America, LabCorp
Classification: Likely benign. Last evaluated: 2020-03-23. Review status: criteria provided, single submitter. Criteria: LabCorp Variant Classification Summary - May 2015. Collection method: clinical testing. Allele origin: germline.
Comment: Variant summary: DSC2 c.857G>T (p.Gly286Val) results in a non-conservative amino acid change located in the Cadherin-like domain (IPR002126) of the encoded protein sequence. Three of five in-silico tools predict a benign effect of the variant on protein function. The variant allele was found at a frequency of 9.5e-05 in 251362 control chromosomes, predominantly at a frequency of 0.00032 within the Latino subpopulation in the gnomAD database. The observed variant frequency within Latino control individuals in the gnomAD database is approximately 32-fold the estimated maximal expected allele frequency for a pathogenic variant in DSC2 causing Arrhythmia phenotype (1e-05), strongly suggesting that the variant is a benign polymorphism found primarily in populations of Latino origin. c.857G>T has been reported in the literature in at least one individual affected with hypertrophic cardiomyopathy (e.g. Lopes_2013). This report does not provide unequivocal conclusions about association of the variant with Arrhythmia. To our knowledge, no experimental evidence demonstrating an impact on protein function has been reported. Five other clinical diagnostic laboratories have submitted clinical-significance assessments for this variant to ClinVar after 2014 without evidence for independent evaluation. All laboratories classified the variant as uncertain significance. Based on the evidence outlined above, the variant was classified as likely benign.

Illumina Laboratory Services, Illumina
Classification: Uncertain significance for Arrhythmogenic right ventricular dysplasia 11. Last evaluated: 2018-01-12. Review status: criteria provided, single submitter. Criteria: ICSL Variant Classification Criteria 13 December 2019. Collection method: clinical testing. Allele origin: germline.

Laboratory for Molecular Medicine, Mass General Brigham Personalized Medicine
Classification: Uncertain significance. Last evaluated: 2015-06-03. Review status: criteria provided, single submitter. Criteria: LMM Criteria. Collection method: clinical testing. Allele origin: germline. Observed: 1 variant allele.
Comment: The p.Gly286Val variant in DSC2 has not been previously reported in individuals with cardiomyopathy, but has been identified in 3/11544 Latino chromosomes by th e Exome Aggregation Consortium (ExAC; dbSNP rs19 9682735). Computational prediction tools and conservation analysis do not provid e strong support for or against an impact to the protein. In summary, the clinic al significance of the p.Gly286Val variant is uncertain.

Biesecker Lab/Clinical Genomics Section, National Institutes of Health
Classification: Uncertain significance. Last evaluated: 2013-06-24. Review status: criteria provided, single submitter. Criteria: Ng et al. (Circ Cardiovasc Genet. 2013). Collection method: research. Allele origin: unknown. Observed: 1 variant allele. Study: ClinSeq.
Comment: The study set was not selected for affection status in relation to any cancer. Pathogenicity categories were based on literature curation. See Pubmed ID:23861362 for details.

Medical sequencing

Literature cited by the submitters: PubMed 25351510 (cited by All of Us Research Program, National Institutes of Health and Ambry Genetics); PubMed 32917565 (cited by All of Us Research Program, National Institutes of Health); PubMed 36293497 (cited by All of Us Research Program, National Institutes of Health and Ambry Genetics); PubMed 37418234 (cited by All of Us Research Program, National Institutes of Health); PubMed 23861362 (cited by 3 submitters); PubMed 23396983 (cited by Women's Health and Genetics/Laboratory Corporation of America, LabCorp).